The following is an entry in ClinVar:

NM_000143.4(FH):c.1065del (p.Glu355fs)

Gene: FH (fumarate hydratase; minus strand). Cytogenetic location: 1q43.
Variant type: Deletion.
Coding change: c.1065del on transcript NM_000143.4 (MANE Select); coding-DNA position 1065, one base deleted (A; older notation c.1065delA).
Protein change: p.Glu355fs; shifts the reading frame from glutamic acid 355.
Molecular consequence: frameshift variant.
Genome position (GRCh38, 1-based): chr1:241,504,085, T deleted on the plus strand (A on the coding strand, the reverse complement: FH is on the minus strand); the first of 2 consecutive T bases (chr1:241,504,085-241,504,086); deleting either gives the same sequence. VCF-style (leftmost placement, unchanged base first): chr1-241504084-AT-A. GRCh37 (hg19) VCF-style: chr1-241667384-AT-A.
Other names: c.1065delA (NM_000143.3); short protein forms E355fs.
Identifiers: ClinVar variation 4642015 (VCV004642015.1).

ClinVar aggregate classification (germline): Pathogenic (1 of 4 stars; one submission).

Conditions:
Hereditary cancer-predisposing syndrome. Also called: Neoplastic Syndromes, Hereditary; Tumor predisposition; Hereditary Cancer Syndrome; Hereditary neoplastic syndrome. Identifiers: Orphanet 140162, MedGen C0027672, MeSH D009386, MONDO:0015356.

Submission:

Ambry Genetics
Classification: Pathogenic for Hereditary cancer-predisposing syndrome. Last evaluated: 2025-09-24. Review status: criteria provided, single submitter. Criteria: Ambry Variant Classification Scheme 2023. Collection method: clinical testing. Allele origin: germline.
Comment: The c.1065delA pathogenic mutation, located in coding exon 7 of the FH gene, results from a deletion of one nucleotide at nucleotide position 1065, causing a translational frameshift with a predicted alternate stop codon (p.E355Dfs*2). This variant is considered to be rare based on population cohorts in the Genome Aggregation Database (gnomAD). This alteration is expected to result in loss of function by premature protein truncation or nonsense-mediated mRNA decay. As such, this alteration is interpreted as a disease-causing mutation.